The following is an entry in ClinVar:

ClinVar aggregate classification (germline): Likely benign. Review status: criteria provided, multiple submitters, no conflicts (2 of 4 stars). 2 submissions from 2 submitters: Likely benign (2). Last evaluated 2026-05-01.

Conditions:
Charcot-Marie-Tooth disease axonal type 2O. Also called: Charcot-Marie-Tooth disease, axonal, type 20; CHARCOT-MARIE-TOOTH NEUROPATHY, AXONAL, TYPE 2O; CHARCOT-MARIE-TOOTH DISEASE, AXONAL, AUTOSOMAL DOMINANT, TYPE 2O; Charcot-Marie-Tooth Neuropathy Type 2O. Identifiers: Orphanet 284232, MedGen C3280220, MONDO:0013644, OMIM 614228.

Allele frequency attached by ClinVar (database versions not stated): ExAC 0.00001; gnomAD 0.00001; gnomAD exomes 0.00001; TOPMed 0.00001.
gnomAD v4.1: 8 of 1,614,076 alleles (0.0005%); highest among the groups gnomAD compares: Non-Finnish European, 0.00068%; no homozygotes.

Submissions (2):

CeGaT Center for Human Genetics Tuebingen
Classification: Likely benign. Last evaluated: 2026-05-01. Review status: criteria provided, single submitter. Criteria: CeGaT Center For Human Genetics Tuebingen Variant Classification Criteria Version 2. Collection method: clinical testing. Allele origin: germline. Affected: yes. Observed: 1 variant allele.
Comment: DYNC1H1: BP4, BP7

Labcorp Genetics (formerly Invitae), Labcorp
Classification: Likely benign for Charcot-Marie-Tooth disease axonal type 2O. Last evaluated: 2025-05-30. Review status: criteria provided, single submitter. Criteria: Invitae Variant Classification Sherloc (09022015). Collection method: clinical testing. Allele origin: germline.

NM_001376.5(DYNC1H1):c.1533C>T (p.Leu511=)

Gene: DYNC1H1 (dynein cytoplasmic 1 heavy chain 1; plus strand). Cytogenetic location: 14q32.31.
Variant type: single nucleotide variant.
Coding change: c.1533C>T on transcript NM_001376.5 (MANE Select); coding-DNA position 1533, C replaced by T.
Protein change: p.Leu511=; no amino-acid change (leucine 511 retained).
Molecular consequence: synonymous variant.
Genome position (GRCh38, 1-based): chr14:101,985,758, C>T. VCF-style: chr14-101985758-C-T. GRCh37 (hg19) VCF-style: chr14-102452095-C-T.
Identifiers: ClinVar variation 2042997 (VCV002042997.6), dbSNP rs759388059, ClinGen allele CA7351716.